The following is an entry in ClinVar:

ClinVar aggregate classification (germline): Uncertain significance (1 of 4 stars; one submission).

Conditions:
Cardiovascular phenotype. Identifiers: MedGen CN230736.

Submission:

Ambry Genetics
Classification: Uncertain significance for Cardiovascular phenotype. Last evaluated: 2023-07-15. Review status: criteria provided, single submitter. Criteria: Ambry Variant Classification Scheme 2023. Collection method: clinical testing. Allele origin: germline.
Comment: The p.A660G variant (also known as c.1979C>G), located in coding exon 12 of the SOS2 gene, results from a C to G substitution at nucleotide position 1979. The alanine at codon 660 is replaced by glycine, an amino acid with similar properties. This amino acid position is conserved. In addition, this alteration is predicted to be tolerated by in silico analysis. Since supporting evidence is limited at this time, the clinical significance of this alteration remains unclear.

NM_006939.4(SOS2):c.1979C>G (p.Ala660Gly)

Gene: SOS2 (SOS Ras/Rho guanine nucleotide exchange factor 2; minus strand). Cytogenetic location: 14q21.3.
Variant type: single nucleotide variant.
Coding change: c.1979C>G on transcript NM_006939.4 (MANE Select); coding-DNA position 1979, C replaced by G.
Protein change: p.Ala660Gly; replaces alanine 660 with glycine.
Molecular consequence: missense variant.
Genome position (GRCh38, 1-based): chr14:50,157,077, G>C on the plus strand (C>G on the coding strand, the complement: SOS2 is on the minus strand). VCF-style: chr14-50157077-G-C. GRCh37 (hg19) VCF-style: chr14-50623795-G-C.
Other names: c.1880C>G, p.Ala627Gly (NM_001411020.1); short protein forms A627G, A660G.
Identifiers: ClinVar variation 2621984 (VCV002621984.2), dbSNP rs1160004493, ClinGen allele CA389644512.